The following is an entry in ClinVar:

ClinVar aggregate classification (germline): Likely pathogenic (1 of 4 stars; one submission).

Conditions:
GIGYF1-associated disorder.

Submission:

Institute of Human Genetics, University of Leipzig Medical Center
Classification: Likely pathogenic for GIGYF1-associated disorder. Last evaluated: 2023-12-18. Review status: criteria provided, single submitter. Criteria: ACMG Guidelines, 2015. Collection method: clinical testing. Allele origin: unknown. Affected: yes.
Comment: Criteria applied: PVS1,PM2_SUP

Literature cited by the submitters: PubMed 35917186.

NM_001375765.1(GIGYF1):c.102C>G (p.Tyr34Ter)

Gene: GIGYF1 (GRB10 interacting GYF protein 1; minus strand). Cytogenetic location: 7q22.1.
Variant type: single nucleotide variant.
Coding change: c.102C>G on transcript NM_001375765.1 (MANE Select); coding-DNA position 102, C replaced by G.
Protein change: p.Tyr34Ter; replaces tyrosine 34 with a stop codon.
Molecular consequence: nonsense. On other transcripts: non-coding transcript variant (1).
Genome position (GRCh38, 1-based): chr7:100,688,044, G>C on the plus strand (C>G on the coding strand, the complement: GIGYF1 is on the minus strand). VCF-style: chr7-100688044-G-C. GRCh37 (hg19) VCF-style: chr7-100285667-G-C.
Other names: c.102C>G, p.Tyr34Ter (NM_001375759.1, NM_001375760.1, NM_001375761.1 and 6 more transcripts); short protein forms Y34*.
Identifiers: ClinVar variation 2691859 (VCV002691859.2), dbSNP rs142379458, ClinGen allele CA368550886.
Genomic context (GRCh38, chr7:100,688,044, plus strand): 5'-GTTCTCCTTGACGTAGAGAGCCAGCATTTCCTCTCGCCCATAACGGTAGTCAGCCAGCTT[G>C]TATTTGGGCATGGCAGGGGACGGGGGTGGGGAGGCCACGCTGCCGCCCCCGGACAGGGCC-3'